The following is an entry in ClinVar:

ClinVar aggregate classification (germline): Uncertain significance (1 of 4 stars; one submission).

Conditions:
VPS13B-related disorder. Also called: VPS13B-related condition.

Submission:

PreventionGenetics, part of Exact Sciences
Classification: Uncertain significance for VPS13B-related condition. Last evaluated: 2026-02-03. Review status: criteria provided, single submitter. Criteria: ACMG Guidelines, 2015. Collection method: clinical testing. Allele origin: germline.
Comment: The VPS13B c.10772T>C variant is predicted to result in the amino acid substitution p.Phe3591Ser. To our knowledge, this variant has not been reported in the literature or in a large population database (gnomAD), indicating this variant is rare. At this time, the clinical significance of this variant is uncertain due to the absence of conclusive functional and genetic evidence.

NM_152564.5(VPS13B):c.10772T>C (p.Phe3591Ser)

Gene: VPS13B (vacuolar protein sorting 13 homolog B; plus strand). Cytogenetic location: 8q22.2.
Variant type: single nucleotide variant.
Coding change: c.10772T>C on transcript NM_152564.5 (MANE Select); coding-DNA position 10772, T replaced by C.
Protein change: p.Phe3591Ser; replaces phenylalanine 3591 with serine.
Molecular consequence: missense variant.
Genome position (GRCh38, 1-based): chr8:99,854,161, T>C. VCF-style: chr8-99854161-T-C. GRCh37 (hg19) VCF-style: chr8-100866389-T-C.
Other names: c.10847T>C, p.Phe3616Ser (NM_017890.5); short protein forms F3591S, F3616S.
Identifiers: ClinVar variation 4985733 (VCV004985733.1).